The following is an entry in ClinVar:

ClinVar aggregate classification (germline): Uncertain significance. Review status: criteria provided, multiple submitters, no conflicts (2 of 4 stars). 2 submissions from 2 submitters: Uncertain significance (2). Last evaluated 2025-02-22.

Conditions:
Inborn genetic diseases. Identifiers: MedGen C0950123, MeSH D030342.

Allele frequency attached by ClinVar (database versions not stated): TOPMed 0.00005.
gnomAD v4.1: 5 of 1,613,644 alleles (0.00031%); highest among the groups gnomAD compares: Admixed American, 0.0083%; no homozygotes.

Submissions (2):

Ambry Genetics
Classification: Uncertain significance for Inborn genetic diseases. Last evaluated: 2025-02-22. Review status: criteria provided, single submitter. Criteria: Ambry Variant Classification Scheme 2023. Collection method: clinical testing. Allele origin: germline.

Labcorp Genetics (formerly Invitae), Labcorp
Classification: Uncertain significance. Last evaluated: 2022-09-07. Review status: criteria provided, single submitter. Criteria: Invitae Variant Classification Sherloc (09022015). Collection method: clinical testing. Allele origin: germline.
Comment: This sequence change replaces proline, which is neutral and non-polar, with histidine, which is basic and polar, at codon 543 of the C8B protein (p.Pro543His). This variant is present in population databases (rs746509547, gnomAD 0.01%). This variant has not been reported in the literature in individuals affected with C8B-related conditions. ClinVar contains an entry for this variant (Variation ID: 1480586). Algorithms developed to predict the effect of missense changes on protein structure and function are either unavailable or do not agree on the potential impact of this missense change (SIFT: "Deleterious"; PolyPhen-2: "Possibly Damaging"; Align-GVGD: "Class C0"). In summary, the available evidence is currently insufficient to determine the role of this variant in disease. Therefore, it has been classified as a Variant of Uncertain Significance.

NM_000066.4(C8B):c.1628C>A (p.Pro543His)

Gene: C8B (complement C8 beta chain; minus strand). Cytogenetic location: 1p32.2.
Variant type: single nucleotide variant.
Coding change: c.1628C>A on transcript NM_000066.4 (MANE Select); coding-DNA position 1628, C replaced by A.
Protein change: p.Pro543His; replaces proline 543 with histidine.
Molecular consequence: missense variant.
Genome position (GRCh38, 1-based): chr1:56,929,552, G>T on the plus strand (C>A on the coding strand, the complement: C8B is on the minus strand). VCF-style: chr1-56929552-G-T. GRCh37 (hg19) VCF-style: chr1-57395225-G-T.
Other names: c.1472C>A, p.Pro491His (NM_001278543.2); c.1442C>A, p.Pro481His (NM_001278544.2); c.1628C>A (NM_000066.2); short protein forms P481H, P543H, P491H.
Identifiers: ClinVar variation 1480586 (VCV001480586.4), dbSNP rs746509547, ClinGen allele CA875556.
Genomic context (GRCh38, chr1:56,929,552, plus strand): 5'-GTCTTACGTCTTCCAGAGCATGAAGACCAATTTGACCAGCAATTCCACTTCCCATCAATG[G>T]GGGTATCTATAAGAAAGAAGGTCAATAAGCATCAATCAGCACTTCTTATATTCTGGTGCC-3'
Protein context (NP_000057.3, residues 533-553): ACEVSYRKNT[Pro543His]IDGKWNCWSN